The following is an entry in ClinVar:

ClinVar aggregate classification (germline): Uncertain significance (1 of 4 stars; one submission).

Allele frequency attached by ClinVar (database versions not stated): gnomAD exomes below 0.00001.
gnomAD v4.1: 1 of 1,604,014 alleles (0.000062%); highest among the groups gnomAD compares: Non-Finnish European, 0.000085%; no homozygotes.

Submission:

Labcorp Genetics (formerly Invitae), Labcorp
Classification: Uncertain significance. Last evaluated: 2023-12-09. Review status: criteria provided, single submitter. Criteria: Invitae Variant Classification Sherloc (09022015). Collection method: clinical testing. Allele origin: germline.
Comment: This sequence change replaces glycine, which is neutral and non-polar, with serine, which is neutral and polar, at codon 1309 of the COL11A1 protein (p.Gly1309Ser). This variant is not present in population databases (gnomAD no frequency). This variant has not been reported in the literature in individuals affected with COL11A1-related conditions. Experimental studies and prediction algorithms are not available or were not evaluated, and the functional significance of this variant is currently unknown. In summary, the available evidence is currently insufficient to determine the role of this variant in disease. Therefore, it has been classified as a Variant of Uncertain Significance.

NM_001854.4(COL11A1):c.3925G>A (p.Gly1309Ser)

Gene: COL11A1 (collagen type XI alpha 1 chain; minus strand). Cytogenetic location: 1p21.1.
Variant type: single nucleotide variant.
Coding change: c.3925G>A on transcript NM_001854.4 (MANE Select); coding-DNA position 3925, G replaced by A.
Protein change: p.Gly1309Ser; replaces glycine 1309 with serine.
Molecular consequence: missense variant. On other transcripts: non-coding transcript variant (1).
Genome position (GRCh38, 1-based): chr1:102,914,405, C>T on the plus strand (G>A on the coding strand, the complement: COL11A1 is on the minus strand). VCF-style: chr1-102914405-C-T. GRCh37 (hg19) VCF-style: chr1-103379961-C-T.
Other names: c.3577G>A, p.Gly1193Ser (NM_001168249.1, NM_080630.4); c.3808G>A, p.Gly1270Ser (NM_001190709.2); c.3961G>A, p.Gly1321Ser (NM_080629.3); short protein forms G1309S, G1193S, G1270S, G1321S.
Identifiers: ClinVar variation 2874062 (VCV002874062.3), dbSNP rs2524479812, ClinGen allele CA341161060.